The following is an entry in ClinVar:

ClinVar aggregate classification (germline): Likely benign. Review status: criteria provided, multiple submitters, no conflicts (2 of 4 stars). 4 submissions from 4 submitters: Likely benign (4). Last evaluated 2026-03-01.

Conditions:
Muscular dystrophy-dystroglycanopathy (congenital with brain and eye anomalies), type a, 11 (MDDGA11). Also called: WALKER-WARBURG SYNDROME OR MUSCLE-EYE-BRAIN DISEASE, B3GALNT2-RELATED; Muscular dystrophy-dystroglycanopathy (congenital with brain and eye anomalies, type A, 11; Congenital muscular dystrophy-dystroglycanopathy with brain and eye anomalies, type A11. Identifiers: Orphanet 588, Orphanet 899, MedGen C3554638, MONDO:0014071, OMIM 615181.

Allele frequency attached by ClinVar (database versions not stated): gnomAD 0.00064 and 0.00059; ESP Exome Variant Server 0.00069; TOPMed 0.00071; 1000 Genomes Project 0.00080; gnomAD exomes 0.00005 and 0.00011; ExAC 0.00016; 1000 Genomes Project 30x 0.00062.
gnomAD v4.1: 167 of 1,614,166 alleles (0.01%); highest among the groups gnomAD compares: African/African-American, 0.19%; no homozygotes.

Submissions (4):

CeGaT Center for Human Genetics Tuebingen
Classification: Likely benign. Last evaluated: 2026-03-01. Review status: criteria provided, single submitter. Criteria: CeGaT Center For Human Genetics Tuebingen Variant Classification Criteria Version 2. Collection method: clinical testing. Allele origin: germline. Affected: yes. Observed: 1 variant allele.
Comment: B3GALNT2: BP4, BP7

Labcorp Genetics (formerly Invitae), Labcorp
Classification: Likely benign for Muscular dystrophy-dystroglycanopathy (congenital with brain and eye anomalies), type a, 11. Last evaluated: 2025-07-10. Review status: criteria provided, single submitter. Criteria: Invitae Variant Classification Sherloc (09022015). Collection method: clinical testing. Allele origin: germline.

Blueprint Genetics
Classification: Likely benign. Last evaluated: 2021-12-09. Review status: criteria provided, single submitter. Criteria: ACMG Guidelines, 2015. Collection method: clinical testing. Allele origin: germline.

GeneDx
Classification: Likely benign. Last evaluated: 2021-10-01. Review status: criteria provided, single submitter. Criteria: GeneDx Variant Classification Process June 2021. Collection method: clinical testing. Allele origin: germline. Affected: yes.

NM_152490.5(B3GALNT2):c.402C>T (p.Asp134=)

Gene: B3GALNT2 (beta-1,3-N-acetylgalactosaminyltransferase 2; minus strand). Cytogenetic location: 1q42.3.
Variant type: single nucleotide variant.
Coding change: c.402C>T on transcript NM_152490.5 (MANE Select); coding-DNA position 402, C replaced by T.
Protein change: p.Asp134=; no amino-acid change (aspartic acid 134 retained).
Molecular consequence: synonymous variant.
Genome position (GRCh38, 1-based): chr1:235,484,475, G>A on the plus strand (C>T on the coding strand, the complement: B3GALNT2 is on the minus strand). VCF-style: chr1-235484475-G-A. GRCh37 (hg19) VCF-style: chr1-235647791-G-A.
Other names: c.525C>T, p.Asp175= (NM_001277155.3).
Identifiers: ClinVar variation 391415 (VCV000391415.20), dbSNP rs144848710, ClinGen allele CA1464914.